The following is an entry in ClinVar:

ClinVar aggregate classification (germline): Pathogenic (1 of 4 stars; one submission).

Submission:

Labcorp Genetics (formerly Invitae), Labcorp
Classification: Pathogenic. Last evaluated: 2021-07-14. Review status: criteria provided, single submitter. Criteria: Invitae Variant Classification Sherloc (09022015). Collection method: clinical testing. Allele origin: germline.
Comment: For these reasons, this variant has been classified as Pathogenic. This variant has not been reported in the literature in individuals affected with POC1A-related conditions. This variant results in the deletion of exons 1-6 and part of exon 7 of the POC1A gene. It is expected to result in an absent or disrupted protein product. Loss-of-function variants in POC1A are known to be pathogenic (PMID: 22840364, 26336158, 26374189).

Literature cited by the submitters: PubMed 22840364; PubMed 26336158; PubMed 26374189.

NC_000003.11:g.(?_52172193)_(52212093_?)del

Gene: POC1A (POC1 centriolar protein A; minus strand). Cytogenetic location: 3p21.2.
Variant type: Deletion.
Identifiers: ClinVar variation 1458947 (VCV001458947.4).